The following is an entry in ClinVar:

NM_052989.3(IFT122):c.3265+7C>T

Gene: IFT122 (intraflagellar transport 122; plus strand). Cytogenetic location: 3q22.1.
Variant type: single nucleotide variant.
Coding change: c.3265+7C>T on transcript NM_052989.3 (MANE Select); 7 bases into the intron after coding-DNA position 3265, C replaced by T.
Molecular consequence: intron variant.
Genome position (GRCh38, 1-based): chr3:129,515,606, C>T. VCF-style: chr3-129515606-C-T. GRCh37 (hg19) VCF-style: chr3-129234449-C-T.
Other names: c.2815+7C>T (NM_001280545.2); c.3418+7C>T (NM_052985.4); c.3244+7C>T (NM_001280541.2); c.3088+7C>T (NM_018262.4); c.2638+7C>T (NM_001280546.2); c.2935+7C>T (NM_052990.3).
Identifiers: ClinVar variation 343265 (VCV000343265.21), dbSNP rs9836202, ClinGen allele CA2606850.

ClinVar aggregate classification (germline): Benign/Likely benign. Review status: criteria provided, multiple submitters, no conflicts (2 of 4 stars). 5 submissions from 5 submitters: Benign (3); Likely benign (2). Last evaluated 2026-01-28.

Conditions:
Connective tissue disorder. Also called: Connective tissue disease. Identifiers: MedGen C0009782, MONDO:0003900.
Cranioectodermal dysplasia 1 (CED1). Also called: LEVIN SYNDROME I. Identifiers: Orphanet 1515, MedGen C0432235, MONDO:0021093, OMIM 218330.

Allele frequency attached by ClinVar (database versions not stated): gnomAD exomes 0.00151 and 0.00363; ExAC 0.00474; gnomAD 0.01292 and 0.01370; ESP Exome Variant Server 0.01438; TOPMed 0.01507; 1000 Genomes Project 0.01717; 1000 Genomes Project 30x 0.01858.
gnomAD v4.1: 4,072 of 1,442,200 alleles (0.28%); highest among the groups gnomAD compares: African/African-American, 4.4%; 76 homozygotes.

Submissions (5):

Labcorp Genetics (formerly Invitae), Labcorp
Classification: Benign for Cranioectodermal dysplasia 1. Last evaluated: 2026-01-28. Review status: criteria provided, single submitter. Criteria: Invitae Variant Classification Sherloc (09022015). Collection method: clinical testing. Allele origin: germline.

Genome Diagnostics Laboratory, The Hospital for Sick Children
Classification: Benign for Connective tissue disorder. Last evaluated: 2019-07-01. Review status: criteria provided, single submitter. Criteria: ACMG Guidelines, 2015. Collection method: clinical testing. Allele origin: germline.

GeneDx
Classification: Likely benign. Last evaluated: 2019-03-16. Review status: criteria provided, single submitter. Criteria: GeneDx Variant Classification Process June 2021. Collection method: clinical testing. Allele origin: germline. Affected: yes.

Illumina Laboratory Services, Illumina
Classification: Benign for Cranioectodermal dysplasia 1. Last evaluated: 2018-01-13. Review status: criteria provided, single submitter. Criteria: ICSL Variant Classification Criteria 13 December 2019. Collection method: clinical testing. Allele origin: germline.
Comment: This variant was observed in the ICSL laboratory as part of a predisposition screen in an ostensibly healthy population. It had not been previously curated by ICSL or reported in the Human Gene Mutation Database (HGMD: prior to June 1st, 2018), and was therefore a candidate for classification through an automated scoring system. Utilizing variant allele frequency, disease prevalence and penetrance estimates, and inheritance mode, an automated score was calculated to assess if this variant is too frequent to cause the disease. Based on the score and internal cut-off values, a variant classified as benign is not then subjected to further curation. The score for this variant resulted in a classification of benign for this disease.

Breakthrough Genomics
Classification: Likely benign. Review status: criteria provided, single submitter. Criteria: ACMG Guidelines, 2015. Collection method: not provided. Allele origin: germline. Inheritance: Autosomal recessive inheritance. Affected: yes.